The following is an entry in ClinVar:

NM_001130987.2(DYSF):c.1449+11T>C

Gene: DYSF (dysferlin; plus strand). Cytogenetic location: 2p13.2.
Variant type: single nucleotide variant.
Coding change: c.1449+11T>C on transcript NM_001130987.2 (MANE Select); 11 bases into the intron after coding-DNA position 1449, T replaced by C.
Molecular consequence: intron variant.
Genome position (GRCh38, 1-based): chr2:71,535,100, T>C. VCF-style: chr2-71535100-T-C. GRCh37 (hg19) VCF-style: chr2-71762230-T-C.
Other names: c.1446+11T>C (NM_001130979.2, NM_001130981.2, NM_001130980.2); c.1353+11T>C (NM_001130978.2, NM_003494.4, NM_001130977.2 and 1 more transcripts); c.1449+11T>C (NM_001130982.2, NM_001130985.2); c.1356+11T>C (NM_001130983.2, NM_001130455.2, NM_001130984.2 and 1 more transcripts).
Identifiers: ClinVar variation 513799 (VCV000513799.8), dbSNP rs548993658, ClinGen allele CA1705744.

ClinVar aggregate classification (germline): Likely benign. Review status: criteria provided, multiple submitters, no conflicts (2 of 4 stars). 2 submissions from 2 submitters: Likely benign (2). Last evaluated 2023-05-22.

Conditions:
Neuromuscular disease caused by qualitative or quantitative defects of dysferlin. Also called: Dysferlinopathy; Qualitative or quantitative defects of dysferlin. Identifiers: Orphanet 207073, MedGen C2931687, MONDO:0016145.

Allele frequency attached by ClinVar (database versions not stated): gnomAD 0.00001; gnomAD exomes 0.00001 and 0.00003; ExAC 0.00002; TOPMed 0.00002.
gnomAD v4.1: 40 of 1,613,956 alleles (0.0025%); highest among the groups gnomAD compares: Non-Finnish European, 0.0034%; no homozygotes.

Submissions (2):

Labcorp Genetics (formerly Invitae), Labcorp
Classification: Likely benign for Neuromuscular disease caused by qualitative or quantitative defects of dysferlin. Last evaluated: 2023-05-22. Review status: criteria provided, single submitter. Criteria: Invitae Variant Classification Sherloc (09022015). Collection method: clinical testing. Allele origin: germline.

GeneDx
Classification: Likely benign. Last evaluated: 2017-12-06. Review status: criteria provided, single submitter. Criteria: GeneDx Variant Classification (06012015). Collection method: clinical testing. Allele origin: germline. Affected: yes.
Comment: This variant is considered likely benign or benign based on one or more of the following criteria: it is a conservative change, it occurs at a poorly conserved position in the protein, it is predicted to be benign by multiple in silico algorithms, and/or has population frequency not consistent with disease.